The following is an entry in ClinVar:

ClinVar aggregate classification (germline): Uncertain significance. Review status: criteria provided, multiple submitters, no conflicts (2 of 4 stars). 3 submissions from 3 submitters: Uncertain significance (3). Last evaluated 2026-03-26.

Conditions:
CACNB2-related disorder. Also called: CACNB2-related condition.
Cardiovascular phenotype. Identifiers: MedGen CN230736.
Brugada syndrome 4 (BRGDA4). Identifiers: Orphanet 130, MedGen C2678477, MONDO:0012743, OMIM 611876.

Allele frequency attached by ClinVar (database versions not stated): TOPMed 0.00001; ExAC 0.00002; gnomAD 0.00002 and 0.00003; gnomAD exomes 0.00002 and 0.00004; 1000 Genomes Project 30x 0.00016; 1000 Genomes Project 0.00020.
gnomAD v4.1: 55 of 1,613,598 alleles (0.0034%); highest among the groups gnomAD compares: South Asian, 0.0044%; no homozygotes.

Submissions (3):

PreventionGenetics, part of Exact Sciences
Classification: Uncertain significance for CACNB2-related condition. Last evaluated: 2026-03-26. Review status: criteria provided, single submitter. Criteria: ACMG Guidelines, 2015. Collection method: clinical testing. Allele origin: germline.
Comment: The CACNB2 c.962C>T variant is predicted to result in the amino acid substitution p.Ala321Val. To our knowledge, this variant has not been reported in the literature. This variant is reported in 0.0065% of alleles in individuals of South Asian descent in gnomAD. At this time, the clinical significance of this variant is uncertain due to the absence of conclusive functional and genetic evidence.

Labcorp Genetics (formerly Invitae), Labcorp
Classification: Uncertain significance for Brugada syndrome 4. Last evaluated: 2025-08-24. Review status: criteria provided, single submitter. Criteria: Invitae Variant Classification Sherloc (09022015). Collection method: clinical testing. Allele origin: germline.
Comment: This sequence change replaces alanine, which is neutral and non-polar, with valine, which is neutral and non-polar, at codon 321 of the CACNB2 protein (p.Ala321Val). This variant is present in population databases (rs578106427, gnomAD 0.006%). This variant has not been reported in the literature in individuals affected with CACNB2-related conditions. ClinVar contains an entry for this variant (Variation ID: 575601). Invitae Evidence Modeling of protein sequence and biophysical properties (such as structural, functional, and spatial information, amino acid conservation, physicochemical variation, residue mobility, and thermodynamic stability) has been performed for this missense variant. However, the output from this modeling did not meet the statistical confidence thresholds required to predict the impact of this variant on CACNB2 protein function. In summary, the available evidence is currently insufficient to determine the role of this variant in disease. Therefore, it has been classified as a Variant of Uncertain Significance.

Ambry Genetics
Classification: Uncertain significance for Cardiovascular phenotype. Last evaluated: 2023-05-18. Review status: criteria provided, single submitter. Criteria: Ambry Variant Classification Scheme 2023. Collection method: clinical testing. Allele origin: germline.
Comment: The p.A321V variant (also known as c.962C>T), located in coding exon 10 of the CACNB2 gene, results from a C to T substitution at nucleotide position 962. The alanine at codon 321 is replaced by valine, an amino acid with similar properties. This amino acid position is highly conserved in available vertebrate species. In addition, the in silico prediction for this alteration is inconclusive. The evidence for this gene-disease relationship is limited; therefore, the clinical significance of this alteration is unclear.

NM_201596.3(CACNB2):c.1124C>T (p.Ala375Val)

Gene: CACNB2 (calcium voltage-gated channel auxiliary subunit beta 2; plus strand). Cytogenetic location: 10p12.31.
Variant type: single nucleotide variant.
Coding change: c.1124C>T on transcript NM_201596.3 (MANE Select); coding-DNA position 1124, C replaced by T.
Protein change: p.Ala375Val; replaces alanine 375 with valine.
Molecular consequence: missense variant.
Genome position (GRCh38, 1-based): chr10:18,534,145, C>T. VCF-style: chr10-18534145-C-T. GRCh37 (hg19) VCF-style: chr10-18823074-C-T.
Other names: c.959C>T, p.Ala320Val (NM_000724.4); c.926C>T, p.Ala309Val (NM_001167945.2); c.845C>T, p.Ala282Val (NM_001330060.2); c.980C>T, p.Ala327Val (NM_201570.3); c.1040C>T, p.Ala347Val (NM_201571.4); c.968C>T, p.Ala323Val (NM_201572.4); c.962C>T, p.Ala321Val (NM_201590.3); c.1010C>T, p.Ala337Val (NM_201593.3); and 1 more; short protein forms A375V, A321V, A282V, A323V, A327V, A320V, A337V, A347V.
Identifiers: ClinVar variation 575601 (VCV000575601.10), dbSNP rs578106427, ClinGen allele CA5429917.